The following is an entry in ClinVar:

NM_003242.6(TGFBR2):c.92C>A (p.Ser31Ter)

Gene: TGFBR2 (transforming growth factor beta receptor 2; plus strand). Cytogenetic location: 3p24.1.
Variant type: single nucleotide variant.
Coding change: c.92C>A on transcript NM_003242.6 (MANE Select); coding-DNA position 92, C replaced by A.
Protein change: p.Ser31Ter; replaces serine 31 with a stop codon.
Molecular consequence: nonsense. On other transcripts: 5 prime UTR variant (4), intron variant (2).
Genome position (GRCh38, 1-based): chr3:30,606,975, C>A. VCF-style: chr3-30606975-C-A. GRCh37 (hg19) VCF-style: chr3-30648467-C-A.
Other names: c.92C>A, p.Ser31Ter (NM_001024847.3, NM_001407126.1, NM_001407127.1 and 4 more transcripts); c.-192C>A (NM_001407133.1); c.-70C>A (NM_001407134.1); c.-117C>A (NM_001407135.1); c.-202C>A (NM_001407136.1); c.-12+382C>A (NM_001407129.1, NM_001407132.1); short protein forms S31*.
Identifiers: ClinVar variation 4713299 (VCV004713299.1).
Genomic context (GRCh38, chr3:30,606,975, plus strand): 5'-CGCTGCACATCGTCCTGTGGACGCGTATCGCCAGCACGATCCCACCGCACGTTCAGAAGT[C>A]GGGTGAGTGGTCCCCAGCCCGGGCTCGGCGGGGCGCCGGGGGTCTTCCTGGGGTCCCCGC-3'

ClinVar aggregate classification (germline): Uncertain significance (1 of 4 stars; one submission).

Conditions:
Familial thoracic aortic aneurysm and aortic dissection (TAAD). Also called: Thoracic aortic aneurysms and dissections. Identifiers: Orphanet 91387, MedGen C4707243, MONDO:0019625.

Submission:

Labcorp Genetics (formerly Invitae), Labcorp
Classification: Uncertain significance for Familial thoracic aortic aneurysm and aortic dissection. Last evaluated: 2025-02-17. Review status: criteria provided, single submitter. Criteria: Invitae Variant Classification Sherloc (09022015). Collection method: clinical testing. Allele origin: germline.
Comment: This sequence change creates a premature translational stop signal (p.Ser31*) in the TGFBR2 gene. It is expected to result in an absent or disrupted protein product. However, the current clinical and genetic evidence is not sufficient to establish whether loss-of-function variants in TGFBR2 cause disease. This variant is not present in population databases (gnomAD no frequency). This variant has not been reported in the literature in individuals affected with TGFBR2-related conditions. In summary, the available evidence is currently insufficient to determine the role of this variant in disease. Therefore, it has been classified as a Variant of Uncertain Significance.